The following is an entry in ClinVar:

NM_003060.4(SLC22A5):c.653-2A>G

Gene: SLC22A5 (solute carrier family 22 member 5; plus strand). Cytogenetic location: 5q31.1.
Variant type: single nucleotide variant.
Coding change: c.653-2A>G on transcript NM_003060.4 (MANE Select); the canonical splice acceptor site of the intron before coding-DNA position 653, A replaced by G.
Molecular consequence: splice acceptor variant.
Genome position (GRCh38, 1-based): chr5:132,385,326, A>G. VCF-style: chr5-132385326-A-G. GRCh37 (hg19) VCF-style: chr5-131721018-A-G.
Other names: c.725-2A>G (NM_001308122.2).
Identifiers: ClinVar variation 2853233 (VCV002853233.3), dbSNP rs386134201, ClinGen allele CA360804932.

ClinVar aggregate classification (germline): Pathogenic (1 of 4 stars; one submission).

Conditions:
Renal carnitine transport defect (CDSP). Also called: Carnitine transporter deficiency; Carnitine Deficiency, Systemic; Primary carnitine deficiency; Systemic primary carnitine deficiency; Systemic primary carnitine deficiency disease; CARNITINE DEFICIENCY, SYSTEMIC, DUE TO DEFECT IN RENAL REABSORPTION OF CARNITINE. Identifiers: Orphanet 158, MedGen C0342788, MONDO:0008919, OMIM 212140.

Submission:

Labcorp Genetics (formerly Invitae), Labcorp
Classification: Pathogenic for Renal carnitine transport defect. Last evaluated: 2023-04-07. Review status: criteria provided, single submitter. Criteria: Invitae Variant Classification Sherloc (09022015). Collection method: clinical testing. Allele origin: germline.
Comment: For these reasons, this variant has been classified as Pathogenic. Algorithms developed to predict the effect of sequence changes on RNA splicing suggest that this variant may disrupt the consensus splice site. Disruption of this splice site has been observed in individual(s) with primary carnitine deficiency (PMID: 28841266). This variant is not present in population databases (gnomAD no frequency). This sequence change affects an acceptor splice site in intron 3 of the SLC22A5 gene. It is expected to disrupt RNA splicing. Variants that disrupt the donor or acceptor splice site typically lead to a loss of protein function (PMID: 16199547), and loss-of-function variants in SLC22A5 are known to be pathogenic (PMID: 9916797).

Literature cited by the submitters: PubMed 28841266; PubMed 16199547; PubMed 9916797.